The following is an entry in ClinVar:

NM_000426.4(LAMA2):c.4312-217T>C

Gene: LAMA2 (laminin subunit alpha 2; plus strand). Cytogenetic location: 6q22.33.
Variant type: single nucleotide variant.
Coding change: c.4312-217T>C on transcript NM_000426.4 (MANE Select); 217 bases into the intron before coding-DNA position 4312, T replaced by C.
Molecular consequence: intron variant.
Genome position (GRCh38, 1-based): chr6:129,342,126, T>C. VCF-style: chr6-129342126-T-C. GRCh37 (hg19) VCF-style: chr6-129663271-T-C.
Other names: c.4312-217T>C (NM_001079823.2).
Identifiers: ClinVar variation 682918 (VCV000682918.1), dbSNP rs1387918, ClinGen allele CA12377492.

ClinVar aggregate classification (germline): Benign (1 of 4 stars; one submission).

Allele frequency attached by ClinVar (database versions not stated): 1000 Genomes Project 30x 0.31824; 1000 Genomes Project 0.32548; TOPMed 0.36415; gnomAD 0.38053 and 0.38293.
gnomAD v4.1: 58,407 of 152,090 alleles (38%); highest among the groups gnomAD compares: Non-Finnish European, 50%; 12,993 homozygotes.

Submission:

GeneDx
Classification: Benign. Last evaluated: 2018-06-14. Review status: criteria provided, single submitter. Criteria: GeneDx Variant Classification (06012015). Collection method: clinical testing. Allele origin: germline. Affected: yes.
Comment: This variant is considered likely benign or benign based on one or more of the following criteria: it is a conservative change, it occurs at a poorly conserved position in the protein, it is predicted to be benign by multiple in silico algorithms, and/or has population frequency not consistent with disease.